The following is an entry in ClinVar:

ClinVar aggregate classification (germline): Likely benign. Review status: criteria provided, multiple submitters, no conflicts (2 of 4 stars). 2 submissions from 2 submitters: Likely benign (2). Last evaluated 2023-12-07.

Allele frequency attached by ClinVar (database versions not stated): gnomAD exomes 0.00002 and 0.00003; gnomAD 0.00003; TOPMed 0.00004; ExAC 0.00006.
gnomAD v4.1: 43 of 1,611,986 alleles (0.0027%); highest among the groups gnomAD compares: Middle Eastern, 0.017%; no homozygotes.

Submissions (2):

Labcorp Genetics (formerly Invitae), Labcorp
Classification: Likely benign. Last evaluated: 2023-12-07. Review status: criteria provided, single submitter. Criteria: Invitae Variant Classification Sherloc (09022015). Collection method: clinical testing. Allele origin: germline.

Laboratory for Molecular Medicine, Mass General Brigham Personalized Medicine
Classification: Likely benign. Last evaluated: 2017-04-13. Review status: criteria provided, single submitter. Criteria: LMM Criteria. Collection method: clinical testing. Allele origin: germline. Observed: 1 variant allele.
Comment: p.Gly368Gly in exon 6 of CEACAM16: This variant is not expected to have clinical significance because it does not alter an amino acid residue and is not located within the splice consensus sequence. It has been identified in 7/123606 Europ ean chromosomes by the Genome Aggregation Database (gnomAD; dbSNP rs750455256).

NM_001039213.4(CEACAM16):c.1104A>G (p.Gly368=)

Genes: CEACAM16 (CEA cell adhesion molecule 16, tectorial membrane component; plus strand), CEACAM16-AS1 (CEACAM16, CEACAM19 and PVR antisense RNA 1; minus strand). Cytogenetic location: 19q13.32.
Variant type: single nucleotide variant.
Coding change: c.1104A>G on transcript NM_001039213.4 (MANE Select); coding-DNA position 1104, A replaced by G.
Protein change: p.Gly368=; no amino-acid change (glycine 368 retained).
Molecular consequence: synonymous variant.
Genome position (GRCh38, 1-based): chr19:44,708,024, A>G. VCF-style: chr19-44708024-A-G. GRCh37 (hg19) VCF-style: chr19-45211296-A-G.
Identifiers: ClinVar variation 505715 (VCV000505715.7), dbSNP rs750455256, ClinGen allele CA9503231.
Genomic context (GRCh38, chr19:44,708,024, plus strand): 5'-CGCCTGGTACCGCGGGCCTGCCTCCGAGCCCAACCGGCTGCTCAGCCAGCTGCCGTCAGG[A>G]ACCTGGATTGCAGGCCCCGCGCACACAGGCCGGGAGGTGGGCTTCCCCAACTGCTCGCTG-3'
Protein context (NP_001034302.2, residues 358-378): PNRLLSQLPS[Gly368=]TWIAGPAHTG